The following is an entry in ClinVar:

NM_002528.7(NTHL1):c.152G>C (p.Arg51Pro)

Gene: NTHL1 (nth like DNA glycosylase 1; minus strand). Cytogenetic location: 16p13.3.
Variant type: single nucleotide variant.
Coding change: c.152G>C on transcript NM_002528.7 (MANE Select); coding-DNA position 152, G replaced by C.
Protein change: p.Arg51Pro; replaces arginine 51 with proline.
Molecular consequence: missense variant. On other transcripts: 5 prime UTR variant (1).
Genome position (GRCh38, 1-based): chr16:2,046,330, C>G on the plus strand (G>C on the coding strand, the complement: NTHL1 is on the minus strand). VCF-style: chr16-2046330-C-G. GRCh37 (hg19) VCF-style: chr16-2096331-C-G.
Other names: c.152G>C, p.Arg51Pro (NM_001318193.2); c.-27G>C (NM_001318194.2); short protein forms R51P.
Identifiers: ClinVar variation 2107345 (VCV002107345.4), dbSNP rs773364076, ClinGen allele CA394297956.

ClinVar aggregate classification (germline): Uncertain significance (1 of 4 stars; one submission).

Submission:

Labcorp Genetics (formerly Invitae), Labcorp
Classification: Uncertain significance. Last evaluated: 2025-12-01. Review status: criteria provided, single submitter. Criteria: Invitae Variant Classification Sherloc (09022015). Collection method: clinical testing. Allele origin: germline.
Comment: This sequence change replaces arginine, which is basic and polar, with proline, which is neutral and non-polar, at codon 59 of the NTHL1 protein (p.Arg59Pro). This variant is not present in population databases (gnomAD no frequency). This variant has not been reported in the literature in individuals affected with NTHL1-related conditions. ClinVar contains an entry for this variant (Variation ID: 2107345). An algorithm developed to predict the effect of missense changes on protein structure and function (PolyPhen-2) suggests that this variant is likely to be tolerated. In summary, the available evidence is currently insufficient to determine the role of this variant in disease. Therefore, it has been classified as a Variant of Uncertain Significance.